The following is an entry in ClinVar:

ClinVar aggregate classification (germline): Uncertain significance (1 of 4 stars; one submission).

Conditions:
Familial adenomatous polyposis 1 (FAP1). Also called: POLYPOSIS, ADENOMATOUS INTESTINAL; FAMILIAL ADENOMATOUS POLYPOSIS 1, ATTENUATED. Identifiers: MedGen C2713442, MONDO:0021056, OMIM 175100. Disease mechanism: loss of function.

Allele frequency attached by ClinVar (database versions not stated): gnomAD 0.00001.

Submission:

Labcorp Genetics (formerly Invitae), Labcorp
Classification: Uncertain significance for Familial adenomatous polyposis 1. Last evaluated: 2025-09-16. Review status: criteria provided, single submitter. Criteria: Invitae Variant Classification Sherloc (09022015). Collection method: clinical testing. Allele origin: germline.
Comment: This variant occurs in a non-coding region of the APC gene. It does not change the encoded amino acid sequence of the APC protein. This variant is not present in population databases (gnomAD no frequency). This variant has not been reported in the literature in individuals affected with APC-related conditions. Experimental studies and prediction algorithms are not available or were not evaluated, and the functional significance of this variant is currently unknown. In summary, the available evidence is currently insufficient to determine the role of this variant in disease. Therefore, it has been classified as a Variant of Uncertain Significance.

NC_000005.10:g.112707402A>G

Gene: APC (APC regulator of Wnt signaling pathway; plus strand). Cytogenetic location: 5q22.2.
Variant type: single nucleotide variant.
Genome position: GRCh38 VCF-style: chr5-112707402-A-G. GRCh37 (hg19) VCF-style: chr5-112043099-A-G.
Identifiers: ClinVar variation 1063969 (VCV001063969.10), dbSNP rs1750555884, ClinGen allele CA1080214554.